The following is an entry in ClinVar:

NM_000435.3(NOTCH3):c.3524G>C (p.Arg1175Pro)

Gene: NOTCH3 (notch receptor 3; minus strand). Cytogenetic location: 19p13.12.
Variant type: single nucleotide variant.
Coding change: c.3524G>C on transcript NM_000435.3 (MANE Select); coding-DNA position 3524, G replaced by C.
Protein change: p.Arg1175Pro; replaces arginine 1175 with proline.
Molecular consequence: missense variant.
Genome position (GRCh38, 1-based): chr19:15,179,219, C>G on the plus strand (G>C on the coding strand, the complement: NOTCH3 is on the minus strand). VCF-style: chr19-15179219-C-G. GRCh37 (hg19) VCF-style: chr19-15290030-C-G.
Other names: short protein forms R1175P.
Identifiers: ClinVar variation 447839 (VCV000447839.3), dbSNP rs752282553, ClinGen allele CA9263059.

ClinVar aggregate classification (germline): Uncertain significance. Review status: criteria provided, multiple submitters, no conflicts (2 of 4 stars). 2 submissions from 2 submitters: Uncertain significance (2). Last evaluated 2024-05-14.

Allele frequency attached by ClinVar (database versions not stated): ExAC 0.00001; TOPMed 0.00001.

Submissions (2):

Athena Diagnostics
Classification: Uncertain significance. Last evaluated: 2024-05-14. Review status: criteria provided, single submitter. Criteria: Athena Diagnostics Criteria. Collection method: clinical testing. Allele origin: unknown.
Comment: Available data are insufficient to determine the clinical significance of the variant at this time. The frequency of this variant in the general population is uninformative in assessment of its pathogenicity. This variant has been seen where an alternate explanation for disease was also identified, suggesting this variant may not cause disease. Polyphen and MutationTaster yielded discordant predictions regarding whether this amino acid change is damaging to the protein. Greater than 90% of NOTCH3 pathogenic variants associated with CADASIL involve the gain or loss of a cysteine residue within the epidermal growth factor (EGF)-like repeat domain (PMID: 32457593, 20301673).

ARUP Laboratories, Molecular Genetics and Genomics, ARUP Laboratories
Classification: Uncertain significance. Last evaluated: 2024-04-09. Review status: criteria provided, single submitter. Criteria: ARUP Molecular Germline Variant Investigation Process 2024. Collection method: clinical testing. Allele origin: germline.
Comment: The NOTCH3 c.3524G>C; p.Arg1175Pro variant (rs752282553), to our knowledge, is not reported in the medical literature but is reported in ClinVar (Variation ID: 447839). This variant is absent from the Genome Aggregation Database (v2.1.1), indicating it is not a common polymorphism. Computational analyses are uncertain whether this variant is neutral or deleterious (REVEL: 0.376). Most pathogenic NOTCH3 variants occur in exons 2-24 and either create or destroy a cysteine residue within an EGF-like domain (Rutten 2014). However, there are several amino acid substitutions not involving cysteine that may be disease-associated (Muino 2017). Although p.Arg1175Pro does not involve a cysteine residue, due to its low population frequency and lack of clinical and functional data, its clinical significance is uncertain. References: Muino E et al. Systematic Review of Cysteine-Sparing NOTCH3 Missense Mutations in Patients with Clinical Suspicion of CADASIL. Int J Mol Sci. 2017 Sep 13;18(9). pii: E1964. PMID: 28902129. Rutten JW et al. Interpretation of NOTCH3 mutations in the diagnosis of CADASIL. Expert Rev Mol Diagn. 2014 Jun;14(5):593-603. PMID: 24844136.